The following is an entry in ClinVar:

ClinVar aggregate classification (germline): Uncertain significance (1 of 4 stars; one submission).

gnomAD v4.1: 4 of 1,614,186 alleles (0.00025%); highest among the groups gnomAD compares: Non-Finnish European, 0.00034%; no homozygotes.

Submission:

Women's Health and Genetics/Laboratory Corporation of America, LabCorp
Classification: Uncertain significance. Last evaluated: 2025-06-09. Review status: criteria provided, single submitter. Criteria: LabCorp Variant Classification Summary - May 2015. Collection method: clinical testing. Allele origin: germline.
Comment: Variant summary: SRCAP c.4757C>T (p.Pro1586Leu) results in a non-conservative amino acid change in the encoded protein sequence. Algorithms developed to predict the effect of missense changes on protein structure and function are either unavailable or do not agree on the potential impact of this missense change. The variant was absent in 251398 control chromosomes. The available data on variant occurrences in the general population are insufficient to allow any conclusion about variant significance. To our knowledge, no occurrence of c.4757C>T in individuals affected with Floating-Harbor Syndrome and no experimental evidence demonstrating its impact on protein function have been reported. No submitters have cited clinical-significance assessments for this variant to ClinVar. Based on the evidence outlined above, the variant was classified as uncertain significance.

NM_006662.3(SRCAP):c.4757C>T (p.Pro1586Leu)

Gene: SRCAP (Snf2 related CREBBP activator protein; plus strand). Cytogenetic location: 16p11.2.
Variant type: single nucleotide variant.
Coding change: c.4757C>T on transcript NM_006662.3 (MANE Select); coding-DNA position 4757, C replaced by T.
Protein change: p.Pro1586Leu; replaces proline 1586 with leucine.
Molecular consequence: missense variant.
Genome position (GRCh38, 1-based): chr16:30,724,181, C>T. VCF-style: chr16-30724181-C-T. GRCh37 (hg19) VCF-style: chr16-30735502-C-T.
Other names: short protein forms P1586L.
Identifiers: ClinVar variation 3907273 (VCV003907273.1).